The following is an entry in ClinVar:

NC_000017.10:g.(?_3539761)_3561464del

Gene: CTNS (cystinosin, lysosomal cystine transporter; plus strand). Cytogenetic location: 17p13.2.
Variant type: Deletion.
Identifiers: ClinVar variation 2501161 (VCV002501161.1).

ClinVar aggregate classification (germline): Pathogenic (1 of 4 stars; one submission).

Conditions:
Cystinosis. Also called: Cystine diathesis; Cystine storage disease; Cystinoses. Identifiers: Orphanet 213, MedGen C4316899, MONDO:0016239.

Submission:

Women's Health and Genetics/Laboratory Corporation of America, LabCorp
Classification: Pathogenic for Cystinosis. Last evaluated: 2023-03-09. Review status: criteria provided, single submitter. Criteria: LabCorp Variant Classification Summary - May 2015. Collection method: clinical testing. Allele origin: germline.
Comment: Variant summary: The variant identified by MLPA or other technology involves the deletion of exons 1-9 and part of exon 10 in the CTNS gene. A presumed nomenclature of c.(?_-594)_847del has been designated for the purposes of this classification. Although exact breakpoints of this deletion are not known, it is expected to result in a large deletion change in the CTNS gene, a known mechanism of disease. The variant allele was found at a frequency of 0.00046 in 21694 control chromosomes (gnomAD, Structural Variants dataset). A 57-kb deletion which includes exons 1-9 and part of exon 10 has been reported in the literature in multiple individuals affected with Cystinosis (e.g. Anikster_1999, Touchman_2000). These data indicate that the variant is very likely to be associated with disease. One submitter has provided a clinical-significance assessment for this variant to ClinVar after 2014, and classified the variant as pathogenic. Based on the evidence outlined above, the variant was classified as pathogenic.

Literature cited by the submitters: PubMed 10068513; PubMed 10673275.